The following is an entry in ClinVar:

NM_080605.4(B3GALT6):c.43G>A (p.Gly15Ser)

Gene: B3GALT6 (beta-1,3-galactosyltransferase 6; plus strand). Cytogenetic location: 1p36.33.
Variant type: single nucleotide variant.
Coding change: c.43G>A on transcript NM_080605.4 (MANE Select); coding-DNA position 43, G replaced by A.
Protein change: p.Gly15Ser; replaces glycine 15 with serine.
Molecular consequence: missense variant.
Genome position (GRCh38, 1-based): chr1:1,232,321, G>A. VCF-style: chr1-1232321-G-A. GRCh37 (hg19) VCF-style: chr1-1167701-G-A.
Other names: short protein forms G15S.
Identifiers: ClinVar variation 1800545 (VCV001800545.1), dbSNP rs1638531081, ClinGen allele CA337822020.

ClinVar aggregate classification (germline): Uncertain significance (1 of 4 stars; one submission).

Allele frequency attached by ClinVar (database versions not stated): gnomAD exomes below 0.00001.

Submission:

GeneDx
Classification: Uncertain significance. Last evaluated: 2022-05-17. Review status: criteria provided, single submitter. Criteria: GeneDx Variant Classification Process June 2021. Collection method: clinical testing. Allele origin: germline. Affected: yes.
Comment: Not observed at significant frequency in large population cohorts (gnomAD); In silico analysis supports that this missense variant does not alter protein structure/function; Has not been previously published as pathogenic or benign to our knowledge